The following is an entry in ClinVar:

ClinVar aggregate classification (germline): Pathogenic. Review status: reviewed by expert panel (3 of 4 stars). 7 submissions from 7 submitters: Pathogenic (1). 6 of the submissions do not count toward it. Last evaluated 2016-10-18.

Conditions:
Hereditary cancer-predisposing syndrome. Also called: Hereditary Cancer Syndrome; Neoplastic Syndromes, Hereditary; Tumor predisposition; Hereditary neoplastic syndrome. Identifiers: Orphanet 140162, MedGen C0027672, MeSH D009386, MONDO:0015356.
Breast-ovarian cancer, familial, susceptibility to, 2 (BROVCA2). Also called: BRCA2 Hereditary Breast and Ovarian Cancer. Identifiers: Orphanet 145, MedGen C2675520, MONDO:0012933, OMIM 612555. Disease mechanism: loss of function.
Hereditary breast ovarian cancer syndrome. Also called: Hereditary breast and/or ovarian cancer syndrome; BRCA1- and BRCA2-Associated Hereditary Breast and Ovarian Cancer; Hereditary breast and ovarian cancer syndrome (HBOC); Hereditary breast and ovarian cancer; Hereditary breast and ovarian cancer syndrome; Breast and ovarian cancer. Identifiers: Orphanet 145, MedGen C0677776, MeSH D061325, MONDO:0003582. Disease mechanism: loss of function.

Submissions (7):

Evidence-based Network for the Interpretation of Germline Mutant Alleles (ENIGMA)
Classification: Pathogenic for Breast-ovarian cancer, familial, susceptibility to, 2. Last evaluated: 2016-10-18. Review status: reviewed by expert panel. Criteria: ENIGMA BRCA1/2 Classification Criteria (2015). Collection method: curation. Allele origin: germline.
Comment: Variant allele predicted to encode a truncated non-functional protein.

Labcorp Genetics (formerly Invitae), Labcorp
Classification: Pathogenic for Hereditary breast ovarian cancer syndrome. Last evaluated: 2025-07-18. Review status: criteria provided, single submitter. Criteria: Invitae Variant Classification Sherloc (09022015). Collection method: clinical testing. Allele origin: germline. Not counted in ClinVar's aggregate classification.
Comment: This sequence change creates a premature translational stop signal (p.Ser884*) in the BRCA2 gene. It is expected to result in an absent or disrupted protein product. Loss-of-function variants in BRCA2 are known to be pathogenic (PMID: 20104584). This variant is not present in population databases (gnomAD no frequency). This premature translational stop signal has been observed in individual(s) with personal and/or family history of breast and/or ovarian cancer (PMID: 29446198). ClinVar contains an entry for this variant (Variation ID: 231724). For these reasons, this variant has been classified as Pathogenic.

Quest Diagnostics Nichols Institute San Juan Capistrano
Classification: Pathogenic. Last evaluated: 2024-12-13. Review status: criteria provided, single submitter. Criteria: Quest Diagnostics criteria. Collection method: clinical testing. Allele origin: unknown. Not counted in ClinVar's aggregate classification.
Comment: The BRCA2 c.2651C>G (p.Ser884*) variant causes the premature termination of BRCA2 protein synthesis. This variant has been reported in the published literature in individuals with a personal and/or family history of breast and/or ovarian cancer (PMID: 30430080 (2018), 32438681 (2020), 33573335 (2021)). This variant has not been reported in large, multi-ethnic general populations (Genome Aggregation Database). Based on the available information, this variant is classified as pathogenic.

ARUP Laboratories, Molecular Genetics and Genomics, ARUP Laboratories
Classification: Pathogenic. Last evaluated: 2024-11-04. Review status: criteria provided, single submitter. Criteria: ARUP Molecular Germline Variant Investigation Process 2024. Collection method: clinical testing. Allele origin: germline. Not counted in ClinVar's aggregate classification.
Comment: The BRCA2 c.2651C>G; p.Ser884Ter variant (rs777421358, ClinVar Variation ID: 231724) is reported in the literature in individuals affected with or have a family history of breast and/or ovarian cancer (Lesueur 2018, Rebbeck 2018, Santonocito 2020). This variant is absent from the Genome Aggregation Database (v2.1.1), indicating it is not a common polymorphism. This variant induces an early termination codon and is predicted to result in a truncated protein or mRNA subject to nonsense-mediated decay. Based on available information, this variant is considered to be pathogenic. References: Lesueur F et al. GEMO, a National Resource to Study Genetic Modifiers of Breast and Ovarian Cancer Risk in BRCA1 and BRCA2 Pathogenic Variant Carriers. Front Oncol. 2018 Oct 31;8:490. PMID: 30430080. Rebbeck TR et al. Mutational spectrum in a worldwide study of 29,700 families with BRCA1 or BRCA2 mutations. Hum Mutat. 2018 May;39(5):593-620. PMID: 29446198. Santonocito C et al. Spectrum of Germline BRCA1 and BRCA2 Variants Identified in 2351 Ovarian and Breast Cancer Patients Referring to a Reference Cancer Hospital of Rome. Cancers (Basel). 2020 May 19;12(5):1286. PMID: 32438681.

Color Diagnostics, LLC DBA Color Health
Classification: Pathogenic for Hereditary cancer-predisposing syndrome. Last evaluated: 2022-09-12. Review status: criteria provided, single submitter. Criteria: ACMG Guidelines, 2015. Collection method: clinical testing. Allele origin: germline. Not counted in ClinVar's aggregate classification.
Comment: This variant changes 1 nucleotide in exon 11 of the BRCA2 gene, creating a premature translation stop signal. This variant is expected to result in an absent or non-functional protein product. This variant has been reported in at least one individual affected with ovarian or breast cancer in the literature, as well as one individual from a family with a history of hereditary breast or ovarian cancer (PMID: 30430080, 32438681). This variant has not been identified in the general population by the Genome Aggregation Database (gnomAD). Loss of BRCA2 function is a known mechanism of disease. Based on the available evidence, this variant is classified as Pathogenic.

Ambry Genetics
Classification: Pathogenic for Hereditary cancer-predisposing syndrome. Last evaluated: 2022-09-07. Review status: criteria provided, single submitter. Criteria: Ambry Variant Classification Scheme 2023. Collection method: clinical testing. Allele origin: germline. Not counted in ClinVar's aggregate classification.
Comment: The p.S884* pathogenic mutation (also known as c.2651C>G), located in coding exon 10 of the BRCA2 gene, results from a C to G substitution at nucleotide position 2651. This changes the amino acid from a serine to a stop codon within coding exon 10. This alteration is expected to result in loss of function by premature protein truncation or nonsense-mediated mRNA decay. As such, this alteration is interpreted as a disease-causing mutation.

Consortium of Investigators of Modifiers of BRCA1/2 (CIMBA), c/o University of Cambridge
Classification: Pathogenic for Breast-ovarian cancer, familial, susceptibility to, 2. Last evaluated: 2015-10-02. Review status: criteria provided, single submitter. Criteria: CIMBA Mutation Classification guidelines May 2016. Collection method: clinical testing. Allele origin: germline. Not counted in ClinVar's aggregate classification.

Literature cited by the submitters: PubMed 20104584 (cited by Labcorp Genetics (formerly Invitae), Labcorp); PubMed 29446198 (cited by Labcorp Genetics (formerly Invitae), Labcorp and Quest Diagnostics Nichols Institute San Juan Capistrano); PubMed 32438681 (cited by Quest Diagnostics Nichols Institute San Juan Capistrano and Color Diagnostics, LLC DBA Color Health); PubMed 30430080 (cited by Quest Diagnostics Nichols Institute San Juan Capistrano and Color Diagnostics, LLC DBA Color Health); PubMed 33573335 (cited by Quest Diagnostics Nichols Institute San Juan Capistrano).

NM_000059.4(BRCA2):c.2651C>G (p.Ser884Ter)

Gene: BRCA2 (BRCA2 DNA repair associated; plus strand). Cytogenetic location: 13q13.1.
Variant type: single nucleotide variant.
Coding change: c.2651C>G on transcript NM_000059.4 (MANE Select); coding-DNA position 2651, C replaced by G.
Protein change: p.Ser884Ter; replaces serine 884 with a stop codon.
Molecular consequence: nonsense.
Genome position (GRCh38, 1-based): chr13:32,337,006, C>G. VCF-style: chr13-32337006-C-G. GRCh37 (hg19) VCF-style: chr13-32911143-C-G.
Other names: 2879C>G(S884X); short protein forms S884*.
Identifiers: ClinVar variation 231724 (VCV000231724.17), dbSNP rs777421358, ClinGen allele CA10579545.